The following is an entry in ClinVar:

ClinVar aggregate classification (germline): Uncertain significance (1 of 4 stars; one submission).

Conditions:
PLXNA4-related disorder. Also called: PLXNA4-related condition.

Submission:

PreventionGenetics, part of Exact Sciences
Classification: Uncertain significance for PLXNA4-related condition. Last evaluated: 2026-05-07. Review status: criteria provided, single submitter. Criteria: ACMG Guidelines, 2015. Collection method: clinical testing. Allele origin: germline.
Comment: The PLXNA4 c.1282G>T variant is predicted to result in the amino acid substitution p.Asp428Tyr. To our knowledge, this variant has not been reported in the literature or in a large population database (gnomAD), indicating this variant is rare. At this time, the clinical significance of this variant is uncertain due to the absence of conclusive functional and genetic evidence.

NM_020911.2(PLXNA4):c.1282G>T (p.Asp428Tyr)

Gene: PLXNA4 (plexin A4; minus strand). Cytogenetic location: 7q32.3.
Variant type: single nucleotide variant.
Coding change: c.1282G>T on transcript NM_020911.2 (MANE Select); coding-DNA position 1282, G replaced by T.
Protein change: p.Asp428Tyr; replaces aspartic acid 428 with tyrosine.
Molecular consequence: missense variant.
Genome position (GRCh38, 1-based): chr7:132,489,381, C>A on the plus strand (G>T on the coding strand, the complement: PLXNA4 is on the minus strand). VCF-style: chr7-132489381-C-A. GRCh37 (hg19) VCF-style: chr7-132174140-C-A.
Other names: c.1282G>T, p.Asp428Tyr (NM_001105543.2, NM_001393897.1, NM_181775.4); short protein forms D428Y.
Identifiers: ClinVar variation 4996077 (VCV004996077.1).
Genomic context (GRCh38, chr7:132,489,381, plus strand): 5'-CAAAGGCCAGAGAGTGGTTCTTGTAGACATATGCGATGACAGACGTCATGCGGTCCCTGT[C>A]CTCCGTGAAGACGGGAATTCCACGCACCATGTCGGACACTCCCAGGGGAGCATTCATGTC-3'
Protein context (NP_065962.1, residues 418-438): MVRGIPVFTE[Asp428Tyr]RDRMTSVIAY